The following is an entry in ClinVar:

NM_020461.4(TUBGCP6):c.348G>T (p.Gln116His)

Gene: TUBGCP6 (tubulin gamma complex component 6; minus strand). Cytogenetic location: 22q13.33.
Variant type: single nucleotide variant.
Coding change: c.348G>T on transcript NM_020461.4 (MANE Select); coding-DNA position 348, G replaced by T.
Protein change: p.Gln116His; replaces glutamine 116 with histidine.
Molecular consequence: missense variant.
Genome position (GRCh38, 1-based): chr22:50,244,112, C>A on the plus strand (G>T on the coding strand, the complement: TUBGCP6 is on the minus strand). VCF-style: chr22-50244112-C-A. GRCh37 (hg19) VCF-style: chr22-50682541-C-A.
Other names: short protein forms Q116H.
Identifiers: ClinVar variation 1379440 (VCV001379440.6), dbSNP rs756655987, ClinGen allele CA10309072.
Genomic context (GRCh38, chr22:50,244,112, plus strand): 5'-GTTGTTAAGGAAGTAGTCTCGTTTTCTCGGCAGAACTTGAGGGGGACCACTCCCTGCCAG[C>A]TGAACCAGGAGGTCCAAAACAGACCCCACCTCCAAAAGCGGACAGCAAGGGGCTGCTTCC-3'
Protein context (NP_065194.3, residues 106-126): EVGSVLDLLV[Gln116His]LAGSGPPQVL

ClinVar aggregate classification (germline): Uncertain significance (1 of 4 stars; one submission).

Allele frequency attached by ClinVar (database versions not stated): gnomAD exomes below 0.00001; ExAC 0.00001.
gnomAD v4.1: 1 of 1,613,712 alleles (0.000062%); highest among the groups gnomAD compares: Non-Finnish European, 0.000085%; no homozygotes.

Submission:

Labcorp Genetics (formerly Invitae), Labcorp
Classification: Uncertain significance. Last evaluated: 2022-06-27. Review status: criteria provided, single submitter. Criteria: Invitae Variant Classification Sherloc (09022015). Collection method: clinical testing. Allele origin: germline.
Comment: This sequence change replaces glutamine, which is neutral and polar, with histidine, which is basic and polar, at codon 116 of the TUBGCP6 protein (p.Gln116His). This variant is present in population databases (rs756655987, gnomAD 0.0009%). This variant has not been reported in the literature in individuals affected with TUBGCP6-related conditions. Algorithms developed to predict the effect of missense changes on protein structure and function output the following: SIFT: "Tolerated"; PolyPhen-2: "Possibly Damaging"; Align-GVGD: "Class C0". The histidine amino acid residue is found in multiple mammalian species, which suggests that this missense change does not adversely affect protein function. In summary, the available evidence is currently insufficient to determine the role of this variant in disease. Therefore, it has been classified as a Variant of Uncertain Significance.